The following is an entry in ClinVar:

NM_002335.4(LRP5):c.661C>T (p.Arg221Cys)

Gene: LRP5 (LDL receptor related protein 5; plus strand). Cytogenetic location: 11q13.2.
Variant type: single nucleotide variant.
Coding change: c.661C>T on transcript NM_002335.4 (MANE Select); coding-DNA position 661, C replaced by T.
Protein change: p.Arg221Cys; replaces arginine 221 with cysteine.
Molecular consequence: missense variant. On other transcripts: 5 prime UTR variant (1).
Genome position (GRCh38, 1-based): chr11:68,357,822, C>T. VCF-style: chr11-68357822-C-T. GRCh37 (hg19) VCF-style: chr11-68125290-C-T.
Other names: c.-1105C>T (NM_001291902.2); short protein forms R221C.
Identifiers: ClinVar variation 1038038 (VCV001038038.6), dbSNP rs765147716, ClinGen allele CA6149065.

ClinVar aggregate classification (germline): Uncertain significance (1 of 4 stars; one submission).

Allele frequency attached by ClinVar (database versions not stated): gnomAD exomes below 0.00001; ExAC 0.00001; TOPMed 0.00002.
gnomAD v4.1: 5 of 1,613,404 alleles (0.00031%); highest among the groups gnomAD compares: East Asian, 0.0022%; no homozygotes.

Submission:

Labcorp Genetics (formerly Invitae), Labcorp
Classification: Uncertain significance. Last evaluated: 2025-06-12. Review status: criteria provided, single submitter. Criteria: Invitae Variant Classification Sherloc (09022015). Collection method: clinical testing. Allele origin: germline.
Comment: This sequence change replaces arginine, which is basic and polar, with cysteine, which is neutral and slightly polar, at codon 221 of the LRP5 protein (p.Arg221Cys). This variant is present in population databases (rs765147716, gnomAD 0.006%). This variant has not been reported in the literature in individuals affected with LRP5-related conditions. ClinVar contains an entry for this variant (Variation ID: 1038038). Invitae Evidence Modeling of protein sequence and biophysical properties (such as structural, functional, and spatial information, amino acid conservation, physicochemical variation, residue mobility, and thermodynamic stability) has been performed for this missense variant. However, the output from this modeling did not meet the statistical confidence thresholds required to predict the impact of this variant on LRP5 protein function. In summary, the available evidence is currently insufficient to determine the role of this variant in disease. Therefore, it has been classified as a Variant of Uncertain Significance.